The following is an entry in ClinVar:

NM_001457.4(FLNB):c.5788_5802del (p.Ile1930_Asp1934del)

Gene: FLNB (filamin B; plus strand). Cytogenetic location: 3p14.3.
Variant type: Deletion.
Coding change: c.5788_5802del on transcript NM_001457.4 (MANE Select); coding-DNA positions 5788 to 5802, 15 bases deleted (ATCAGTGAGACTGAC).
Protein change: p.Ile1930_Asp1934del.
Molecular consequence: inframe deletion.
Genome position (GRCh38, 1-based): chr3:58,148,265-58,148,279, ATCAGTGAGACTGAC deleted; deleting any 15 consecutive bases within chr3:58,148,262-58,148,279 gives the same sequence; the c. name uses the placement nearest the transcript's 3' end. VCF-style (leftmost placement, unchanged base first): chr3-58148261-CGACATCAGTGAGACT-C. GRCh37 (hg19) VCF-style: chr3-58133988-CGACATCAGTGAGACT-C.
Other names: c.5881_5895del, p.Ile1961_Asp1965del (NM_001164317.2); c.5755_5769del, p.Ile1919_Asp1923del (NM_001164318.2); c.5716_5730del, p.Ile1906_Asp1910del (NM_001164319.2).
Identifiers: ClinVar variation 2653917 (VCV002653917.24), dbSNP rs2471204219, ClinGen allele CA2695197930.

ClinVar aggregate classification (germline): Uncertain significance (1 of 4 stars; one submission).

Submission:

CeGaT Center for Human Genetics Tuebingen
Classification: Uncertain significance. Last evaluated: 2022-11-01. Review status: criteria provided, single submitter. Criteria: CeGaT Center For Human Genetics Tuebingen Variant Classification Criteria Version 2. Collection method: clinical testing. Allele origin: germline. Affected: yes. Observed: 1 variant allele.
Comment: FLNB: PM2, PM4